The following is an entry in ClinVar:

ClinVar aggregate classification (germline): Pathogenic (1 of 4 stars; one submission).

Submission:

Labcorp Genetics (formerly Invitae), Labcorp
Classification: Pathogenic. Last evaluated: 2019-10-12. Review status: criteria provided, single submitter. Criteria: Invitae Variant Classification Sherloc (09022015). Collection method: clinical testing. Allele origin: germline.
Comment: A gross deletion of the genomic region encompassing the full coding sequence of the NEXMIF gene has been identified. The boundaries of this event are unknown as the deletion extends beyond the assayed region for this gene and therefore may encompass additional genes. This variant has not been reported in the literature in individuals with NEXMIF-related conditions. Loss-of-function variants in NEXMIF are known to be pathogenic (PMID: 23615299). For these reasons, this variant has been classified as Pathogenic.

Literature cited by the submitters: PubMed 23615299.

NC_000023.11:g.(?_74739385)_(74745670_?)del

Gene: NEXMIF (neurite extension and migration factor; minus strand). Cytogenetic location: Xq13.3.
Variant type: Deletion.
Identifiers: ClinVar variation 831750 (VCV000831750.2).